The following is an entry in ClinVar:

NM_001267550.2(TTN):c.85302T>A (p.Asn28434Lys)

Genes: TTN (titin; minus strand), TTN-AS1 (TTN antisense RNA 1; plus strand). Cytogenetic location: 2q31.2.
Variant type: single nucleotide variant.
Coding change: c.85302T>A on transcript NM_001267550.2 (MANE Select); coding-DNA position 85302, T replaced by A.
Protein change: p.Asn28434Lys; replaces asparagine 28434 with lysine.
Molecular consequence: missense variant.
Genome position (GRCh38, 1-based): chr2:178,560,830, A>T on the plus strand (T>A on the coding strand, the complement: TTN is on the minus strand). VCF-style: chr2-178560830-A-T. GRCh37 (hg19) VCF-style: chr2-179425557-A-T.
Other names: c.80379T>A, p.Asn26793Lys (NM_001256850.1); c.58107T>A, p.Asn19369Lys (NM_003319.4); c.77598T>A, p.Asn25866Lys (NM_133378.4); c.58482T>A, p.Asn19494Lys (NM_133432.3); c.58683T>A, p.Asn19561Lys (NM_133437.4); short protein forms N19494K, N19369K, N19561K, N25866K, N28434K, N26793K.
Identifiers: ClinVar variation 4795233 (VCV004795233.1).
Genomic context (GRCh38, chr2:178,560,830, plus strand): 5'-TGGTGGACCAGGCTTATCAAGTACTTTGCAATTAACGGCCACAGACCGAGTGCCGGCAAC[A>T]TTCTTCAGTGTTAGTACATATTGCCCAGTGTCTCGTCTTATACAGTCTTTAACTGTTAAC-3'
Protein context (NP_001254479.2, residues 28424-28444): DTGQYVLTLK[Asn28434Lys]VAGTRSVAVN

ClinVar aggregate classification (germline): VUS-high (1 of 4 stars; one submission).

Conditions:
Autosomal recessive titinopathy. Identifiers: MedGen CN315649, MONDO:0100493.

Submission:

Myofin, Folkhalsan Research Center
Classification: VUS-high for Autosomal recessive titinopathy. Last evaluated: 2026-02-06. Review status: criteria provided, single submitter. Criteria: ACMG Guidelines, 2015. Collection method: research. Allele origin: germline. Affected: yes.
Comment: The variant is rare in population databases (not found in gnomAD; no homozygotes reported) and has a high deleterious computational prediction (AlphaMissense 0.9990). Given limited case-level evidence and lack of robust variant-level functional/replication data, we classify this variant as Uncertain significance (VUS-high) for recessive titinopathy.

Literature cited by the submitters: DOI 10.1101/2025.07.17.25331145.